The following is an entry in ClinVar:

NM_001378615.1(CC2D2A):c.1702G>A (p.Ala568Thr)

Genes: CC2D2A (coiled-coil and C2 domain containing 2A; plus strand), FBXL5 (F-box and leucine rich repeat protein 5; minus strand). Cytogenetic location: 4p15.32.
Variant type: single nucleotide variant.
Coding change: c.1702G>A on transcript NM_001378615.1 (MANE Select); coding-DNA position 1702, G replaced by A.
Protein change: p.Ala568Thr; replaces alanine 568 with threonine.
Molecular consequence: missense variant.
Genome position (GRCh38, 1-based): chr4:15,537,014, G>A. VCF-style: chr4-15537014-G-A. GRCh37 (hg19) VCF-style: chr4-15538637-G-A.
Other names: c.1702G>A, p.Ala568Thr (NM_001080522.2); c.1555G>A, p.Ala519Thr (NM_001378617.1); short protein forms A568T, A519T.
Identifiers: ClinVar variation 863249 (VCV000863249.19), dbSNP rs368669579, ClinGen allele CA2863737.

ClinVar aggregate classification (germline): Conflicting classifications of pathogenicity. Review status: criteria provided, conflicting classifications (1 of 4 stars). 5 submissions from 4 submitters: Uncertain significance (4); Likely benign (1). Last evaluated 2026-09-01.

Conditions:
Inborn genetic diseases. Identifiers: MedGen C0950123, MeSH D030342.
Meckel-Gruber syndrome. Also called: Dysencephalia splachnocystica; DYSENCEPHALIA SPLANCHNOCYSTICA; GRUBER SYNDROME. Identifiers: Orphanet 564, MedGen C0265215, MONDO:0018921.
Joubert syndrome. Also called: JOUBERT-BOLTSHAUSER SYNDROME; Familial aplasia of the vermis. Identifiers: Orphanet 475, MedGen C5979921, MONDO:0018772.
CC2D2A-related disorder. Also called: CC2D2A-related condition; CC2D2A-related disorders. Identifiers: MedGen CN239313.
Meckel syndrome, type 6. Identifiers: Orphanet 564, MedGen C2676790, MONDO:0012848, OMIM 612284.
Joubert syndrome 9 (JBTS9). Identifiers: Orphanet 2318, MedGen C2676788, MONDO:0012849, OMIM 612285.

Allele frequency attached by ClinVar (database versions not stated): gnomAD 0.00001; TOPMed 0.00003; gnomAD exomes 0.00004; ExAC 0.00005; ESP Exome Variant Server 0.00016.
gnomAD v4.1: 34 of 1,613,484 alleles (0.0021%); highest among the groups gnomAD compares: South Asian, 0.0033%; no homozygotes.

Submissions (5):

PreventionGenetics, part of Exact Sciences
Classification: Uncertain significance for CC2D2A-related condition. Last evaluated: 2026-09-01. Review status: criteria provided, single submitter. Criteria: ACMG Guidelines, 2015. Collection method: clinical testing. Allele origin: germline.
Comment: The CC2D2A c.1702G>A variant is predicted to result in the amino acid substitution p.Ala568Thr. To our knowledge, this variant has not been reported in the literature. This variant is reported in 0.070% of alleles in individuals of Ashkenazi Jewish descent in gnomAD. At this time, the clinical significance of this variant is uncertain due to the absence of conclusive functional and genetic evidence.

Labcorp Genetics (formerly Invitae), Labcorp
Classification: Likely benign for Joubert syndrome; Meckel-Gruber syndrome. Last evaluated: 2026-01-24. Review status: criteria provided, single submitter. Criteria: Invitae Variant Classification Sherloc (09022015). Collection method: clinical testing. Allele origin: germline.

Ambry Genetics
Classification: Uncertain significance for Inborn genetic diseases. Last evaluated: 2025-09-01. Review status: criteria provided, single submitter. Criteria: Ambry Variant Classification Scheme 2023. Collection method: clinical testing. Allele origin: germline.

Illumina Laboratory Services, Illumina
Classification: Uncertain significance for Joubert syndrome 9. Last evaluated: 2018-01-13. Review status: criteria provided, single submitter. Criteria: ICSL Variant Classification Criteria 13 December 2019. Collection method: clinical testing. Allele origin: germline.

Illumina Laboratory Services, Illumina
Classification: Uncertain significance for Meckel syndrome, type 6. Last evaluated: 2018-01-13. Review status: criteria provided, single submitter. Criteria: ICSL Variant Classification Criteria 13 December 2019. Collection method: clinical testing. Allele origin: germline.